The following continues an entry in ClinVar:

NM_000492.4(CFTR):c.613C>T (p.Pro205Ser)

Gene: CFTR. ClinVar aggregate classification (germline): Pathogenic. Pathogenic (1).

Submissions 12 to 16 of 16:

Eurofins Ntd Llc (ga)
Classification: Pathogenic. Last evaluated: 2017-05-17. Review status: criteria provided, single submitter. Criteria: EGL Classification Definitions 2015. Collection method: clinical testing. Allele origin: germline. Observed: 1 variant allele, 1 heterozygote. Not counted in ClinVar's aggregate classification.

Women's Health and Genetics/Laboratory Corporation of America, LabCorp
Classification: Pathogenic for Cystic fibrosis. Last evaluated: 2016-07-20. Review status: criteria provided, single submitter. Criteria: LabCorp Variant Classification Summary - May 2015. Collection method: clinical testing. Allele origin: germline. Not counted in ClinVar's aggregate classification.
Comment: Variant summary: The CFTR c.613C>T (p.Pro205Ser) variant involves the alteration of a conserved nucleotide. 5/5 in silico tools predict a damaging outcome for this variant. Pro205 is highly conserved across species and is located in the ABC transporter type 1, transmembrane domain of the cystic fibrosis transmembrane conductance regulator protein. Functional studies have shown that P205S severely impairs chloride conductance, and P205S does not mature and thus does not properly localize to the plasma membrane. This variant was not found in 121408 control chromosomes, but has been cited in both PS- and PI-CF patients reported in the literature. In addition, one reputable database classified this variant as pathogenic. Taken together, this variant is classified as Pathognenic.

Baylor Genetics
Classification: Pathogenic for Congenital bilateral aplasia of vas deferens from CFTR mutation; Cystic fibrosis. Review status: criteria provided, single submitter. Criteria: ACMG Guidelines, 2015. Collection method: clinical testing. Allele origin: germline. Not counted in ClinVar's aggregate classification.

PreventionGenetics, part of Exact Sciences
Classification: Pathogenic for CFTR-related condition. Last evaluated: 2024-02-23. Review status: no assertion criteria provided. Collection method: clinical testing. Allele origin: germline. Not counted in ClinVar's aggregate classification.
Comment: The CFTR c.613C>T variant is predicted to result in the amino acid substitution p.Pro205Ser. This variant has been reported to be causative for cystic fibrosis (Chillon et al. 1993. PubMed ID: 7505694; Castellani et al. 2008. PubMed ID: 18456578; Sheridan et al. 2011. PubMed ID: 21097845; Sosnay et al. 2013. PubMed ID: 23974870). This variant is reported in 0.0029% of alleles in individuals of Latino descent in gnomAD. This variant is interpreted as pathogenic.

Counsyl
Classification: Likely pathogenic for Cystic fibrosis. Last evaluated: 2015-09-16. Review status: no assertion criteria provided. Collection method: clinical testing. Allele origin: unknown. Not counted in ClinVar's aggregate classification.

Literature cited by the submitters: PubMed 8663008 (cited by 5 submitters); PubMed 9920885 (cited by 3 submitters); PubMed 7505694 (cited by 4 submitters); PubMed 21097845 (cited by 4 submitters); PubMed 25363320 (cited by 3 submitters); PubMed 16114821 (cited by Dasa and Quest Diagnostics Nichols Institute San Juan Capistrano); PubMed 30726326 (cited by Dasa); PubMed 23974870 (cited by 5 submitters); PubMed 24583165 (cited by Natera, Inc.); PubMed 34782259 (cited by Quest Diagnostics Nichols Institute San Juan Capistrano); PubMed 31036917 (cited by Quest Diagnostics Nichols Institute San Juan Capistrano); PubMed 23857699 (cited by Quest Diagnostics Nichols Institute San Juan Capistrano); PubMed 36834620 (cited by Quest Diagnostics Nichols Institute San Juan Capistrano); PubMed 34296343 (cited by Quest Diagnostics Nichols Institute San Juan Capistrano); PubMed 34065744 (cited by Quest Diagnostics Nichols Institute San Juan Capistrano); PubMed 10225950 (cited by Quest Diagnostics Nichols Institute San Juan Capistrano and Counsyl); PubMed 11938353 (cited by Quest Diagnostics Nichols Institute San Juan Capistrano and Counsyl).